The following is an entry in ClinVar:

NM_000138.5(FBN1):c.687C>G (p.His229Gln)

Gene: FBN1 (fibrillin 1; minus strand). Cytogenetic location: 15q21.1.
Variant type: single nucleotide variant.
Coding change: c.687C>G on transcript NM_000138.5 (MANE Select); coding-DNA position 687, C replaced by G.
Protein change: p.His229Gln; replaces histidine 229 with glutamine.
Molecular consequence: missense variant.
Genome position (GRCh38, 1-based): chr15:48,537,660, G>C on the plus strand (C>G on the coding strand, the complement: FBN1 is on the minus strand). VCF-style: chr15-48537660-G-C. GRCh37 (hg19) VCF-style: chr15-48829857-G-C.
Other names: short protein forms H229Q.
Identifiers: ClinVar variation 457255 (VCV000457255.17), dbSNP rs1391600366, ClinGen allele CA392445879.

ClinVar aggregate classification (germline): Uncertain significance. Review status: criteria provided, multiple submitters, no conflicts (2 of 4 stars). 3 submissions from 3 submitters: Uncertain significance (3). Last evaluated 2025-10-31.

Conditions:
Marfan syndrome (MFS). Also called: MARFAN SYNDROME, TYPE I; FBN1-Related Marfan Syndrome; Marfan syndrome type 1; Marfan's syndrome; Marfan syndrome, classic. Identifiers: Orphanet 284963, Orphanet 558, MedGen C0024796, MONDO:0007947, OMIM 154700.
Familial thoracic aortic aneurysm and aortic dissection (TAAD). Also called: Thoracic aortic aneurysms and dissections. Identifiers: Orphanet 91387, MedGen C4707243, MONDO:0019625.

Allele frequency attached by ClinVar (database versions not stated): gnomAD 0.00001; gnomAD exomes below 0.00001; TOPMed 0.00002.
gnomAD v4.1: 7 of 1,614,106 alleles (0.00043%); highest among the groups gnomAD compares: Middle Eastern, 0.016%; no homozygotes.

Submissions (3):

Ambry Genetics
Classification: Uncertain significance for Familial thoracic aortic aneurysm and aortic dissection. Last evaluated: 2025-10-31. Review status: criteria provided, single submitter. Criteria: Ambry Variant Classification Scheme 2023. Collection method: clinical testing. Allele origin: germline.
Comment: The p.H229Q variant (also known as c.687C>G), located in coding exon 6 of the FBN1 gene, results from a C to G substitution at nucleotide position 687. The histidine at codon 229 is replaced by glutamine, an amino acid with highly similar properties. This variant was reported in individual(s) with features consistent with thoracic aortic aneurysm (Ambry internal data). This amino acid position is well conserved in available vertebrate species. In addition, this alteration is predicted to be tolerated by in silico analysis. Based on the available evidence, the clinical significance of this variant remains unclear.

Labcorp Genetics (formerly Invitae), Labcorp
Classification: Uncertain significance for Marfan syndrome; Familial thoracic aortic aneurysm and aortic dissection. Last evaluated: 2025-10-21. Review status: criteria provided, single submitter. Criteria: Invitae Variant Classification Sherloc (09022015). Collection method: clinical testing. Allele origin: germline.
Comment: This sequence change replaces histidine, which is basic and polar, with glutamine, which is neutral and polar, at codon 229 of the FBN1 protein (p.His229Gln). This variant is not present in population databases (gnomAD no frequency). This missense change has been observed in individual(s) with clinical features of FBN1-related conditions (internal data). ClinVar contains an entry for this variant (Variation ID: 457255). Invitae Evidence Modeling of protein sequence and biophysical properties (such as structural, functional, and spatial information, amino acid conservation, physicochemical variation, residue mobility, and thermodynamic stability) indicates that this missense variant is not expected to disrupt FBN1 protein function with a negative predictive value of 95%. In summary, the available evidence is currently insufficient to determine the role of this variant in disease. Therefore, it has been classified as a Variant of Uncertain Significance.

Color Diagnostics, LLC DBA Color Health
Classification: Uncertain significance for Familial thoracic aortic aneurysm and aortic dissection. Last evaluated: 2024-05-07. Review status: criteria provided, single submitter. Criteria: ACMG Guidelines, 2015. Collection method: clinical testing. Allele origin: germline.
Comment: This missense variant replaces histidine with glutamine at codon 229 of the FBN1 protein. Computational prediction suggests that this variant may not impact protein structure and function (internally defined REVEL score threshold <= 0.5, PMID: 27666373). To our knowledge, functional studies have not been reported for this variant. This variant has not been reported in individuals affected with FBN1-related disorders in the literature. This variant has been identified in 1/251368 chromosomes in the general population by the Genome Aggregation Database (gnomAD). The available evidence is insufficient to determine the role of this variant in disease conclusively. Therefore, this variant is classified as a Variant of Uncertain Significance.